The following is an entry in ClinVar:

NM_001382430.1(AKT1):c.1416C>T (p.Phe472=)

Gene: AKT1 (AKT serine/threonine kinase 1; minus strand). Cytogenetic location: 14q32.33.
Variant type: single nucleotide variant.
Coding change: c.1416C>T on transcript NM_001382430.1 (MANE Select); coding-DNA position 1416, C replaced by T.
Protein change: p.Phe472=; no amino-acid change (phenylalanine 472 retained).
Molecular consequence: synonymous variant.
Genome position (GRCh38, 1-based): chr14:104,770,368, G>A on the plus strand (C>T on the coding strand, the complement: AKT1 is on the minus strand). VCF-style: chr14-104770368-G-A. GRCh37 (hg19) VCF-style: chr14-105236705-G-A.
Other names: c.1416C>T, p.Phe472= (NM_001014431.2, NM_001014432.2, NM_001382431.1 and 3 more transcripts).
Identifiers: ClinVar variation 699745 (VCV000699745.15), dbSNP rs184263655, ClinGen allele CA7374438.
Genomic context (GRCh38, chr14:104,770,368, plus strand): 5'-CCAAGCTATCGTCCAGCGCAGTCCACCGCCGCCTCAGGCCGTGCCGCTGGCCGAGTAGGA[G>A]AACTGGGGGAAGTGGGGCCTGCGCTCGCTGTCCACACACTCCATGCTGTCATCTGTGGGT-3'
Protein context (NP_001369359.1, residues 462-480): DSERRPHFPQ[Phe472=]SYSASGTA

ClinVar aggregate classification (germline): Likely benign. Review status: criteria provided, multiple submitters, no conflicts (2 of 4 stars). 3 submissions from 3 submitters: Likely benign (2). 1 of the submissions does not count toward it. Last evaluated 2025-06-04.

Conditions:
AKT1-related disorder. Also called: AKT1-related condition.
Inborn genetic diseases. Identifiers: MedGen C0950123, MeSH D030342.
Cowden syndrome 6 (CWS6). Identifiers: Orphanet 201, MedGen C3554519, MONDO:0014048, OMIM 615109.

Allele frequency attached by ClinVar (database versions not stated): gnomAD exomes 0.00001 and 0.00003; ExAC 0.00007; ESP Exome Variant Server 0.00008; gnomAD 0.00010 and 0.00011; TOPMed 0.00014; 1000 Genomes Project 30x 0.00016; 1000 Genomes Project 0.00020.
gnomAD v4.1: 33 of 1,612,774 alleles (0.002%); highest among the groups gnomAD compares: African/African-American, 0.043%; no homozygotes.

Submissions (3):

Labcorp Genetics (formerly Invitae), Labcorp
Classification: Likely benign for Cowden syndrome 6. Last evaluated: 2025-06-04. Review status: criteria provided, single submitter. Criteria: Invitae Variant Classification Sherloc (09022015). Collection method: clinical testing. Allele origin: germline.

Ambry Genetics
Classification: Likely benign for Inborn genetic diseases. Last evaluated: 2022-04-11. Review status: criteria provided, single submitter. Criteria: Ambry Variant Classification Scheme 2023. Collection method: clinical testing. Allele origin: germline.

PreventionGenetics, part of Exact Sciences
Classification: Likely benign for AKT1-related condition. Last evaluated: 2019-09-17. Review status: no assertion criteria provided. Collection method: clinical testing. Allele origin: germline. Not counted in ClinVar's aggregate classification.
Comment: This variant is classified as likely benign based on ACMG/AMP sequence variant interpretation guidelines (Richards et al. 2015 PMID: 25741868, with internal and published modifications).